The following is an entry in ClinVar:

NM_001365999.1(SZT2):c.1864C>T (p.Arg622Trp)

Gene: SZT2 (SZT2 subunit of KICSTOR complex; plus strand). Cytogenetic location: 1p34.2.
Variant type: single nucleotide variant.
Coding change: c.1864C>T on transcript NM_001365999.1 (MANE Select); coding-DNA position 1864, C replaced by T.
Protein change: p.Arg622Trp; replaces arginine 622 with tryptophan.
Molecular consequence: missense variant.
Genome position (GRCh38, 1-based): chr1:43,422,574, C>T. VCF-style: chr1-43422574-C-T. GRCh37 (hg19) VCF-style: chr1-43888245-C-T.
Other names: c.1864C>T, p.Arg622Trp (NM_015284.4); c.1864C>T (NM_015284.3); short protein forms R622W.
Identifiers: ClinVar variation 1009050 (VCV001009050.9), dbSNP rs1040622648, ClinGen allele CA21630151.
Genomic context (GRCh38, chr1:43,422,574, plus strand): 5'-AATGGGCGCTACAGCACTATCCAGTGCAGGATCTCCCACTCCTCCCTGACCTCTCTGCTG[C>T]GGGACTGGAGCAGCTTCGTACTAGTCGAGGGCTATTCTTATGTTAAGCTGCTCTCCAGGT-3'
Protein context (NP_001352928.1, residues 612-632): ISHSSLTSLL[Arg622Trp]DWSSFVLVEG

ClinVar aggregate classification (germline): Uncertain significance. Review status: criteria provided, multiple submitters, no conflicts (2 of 4 stars). 4 submissions from 4 submitters: Uncertain significance (4). Last evaluated 2025-02-24.

Conditions:
Inborn genetic diseases. Identifiers: MedGen C0950123, MeSH D030342.

Allele frequency attached by ClinVar (database versions not stated): gnomAD exomes 0.00001 and below 0.00001; gnomAD 0.00003; TOPMed 0.00002.
gnomAD v4.1: 18 of 1,598,042 alleles (0.0011%); highest among the groups gnomAD compares: East Asian, 0.0022%; no homozygotes.

Submissions (4):

Labcorp Genetics (formerly Invitae), Labcorp
Classification: Uncertain significance. Last evaluated: 2025-02-24. Review status: criteria provided, single submitter. Criteria: Invitae Variant Classification Sherloc (09022015). Collection method: clinical testing. Allele origin: germline.
Comment: This sequence change replaces arginine, which is basic and polar, with tryptophan, which is neutral and slightly polar, at codon 622 of the SZT2 protein (p.Arg622Trp). This variant is present in population databases (no rsID available, gnomAD 0.005%). This variant has not been reported in the literature in individuals affected with SZT2-related conditions. ClinVar contains an entry for this variant (Variation ID: 1009050). Invitae Evidence Modeling of protein sequence and biophysical properties (such as structural, functional, and spatial information, amino acid conservation, physicochemical variation, residue mobility, and thermodynamic stability) indicates that this missense variant is not expected to disrupt SZT2 protein function with a negative predictive value of 80%. In summary, the available evidence is currently insufficient to determine the role of this variant in disease. Therefore, it has been classified as a Variant of Uncertain Significance.

Blueprint Genetics
Classification: Uncertain significance. Last evaluated: 2024-11-15. Review status: criteria provided, single submitter. Criteria: ACMG Guidelines, 2015. Collection method: clinical testing. Allele origin: germline.

Ambry Genetics
Classification: Uncertain significance for Inborn genetic diseases. Last evaluated: 2024-10-01. Review status: criteria provided, single submitter. Criteria: Ambry Variant Classification Scheme 2023. Collection method: clinical testing. Allele origin: germline.

GeneDx
Classification: Uncertain significance. Last evaluated: 2024-04-07. Review status: criteria provided, single submitter. Criteria: GeneDx Variant Classification Process June 2021. Collection method: clinical testing. Allele origin: germline. Affected: yes.
Comment: Not observed at significant frequency in large population cohorts (gnomAD); In silico analysis supports that this missense variant has a deleterious effect on protein structure/function; Has not been previously published as pathogenic or benign to our knowledge